The following is an entry in ClinVar:

ClinVar aggregate classification (germline): Uncertain significance (1 of 4 stars; one submission).

Conditions:
Familial cold autoinflammatory syndrome 2 (FCAS2). Identifiers: Orphanet 247868, MedGen C2673198, MONDO:0012724, OMIM 611762.

Allele frequency attached by ClinVar (database versions not stated): TOPMed below 0.00001.
gnomAD v4.1: 1 of 1,614,184 alleles (0.000062%); highest among the groups gnomAD compares: Non-Finnish European, 0.000085%; no homozygotes.

Submission:

Labcorp Genetics (formerly Invitae), Labcorp
Classification: Uncertain significance for Familial cold autoinflammatory syndrome 2. Last evaluated: 2021-01-19. Review status: criteria provided, single submitter. Criteria: Invitae Variant Classification Sherloc (09022015). Collection method: clinical testing. Allele origin: germline.
Comment: This sequence change replaces glutamine with histidine at codon 966 of the NLRP12 protein (p.Gln966His). The glutamine residue is weakly conserved and there is a small physicochemical difference between glutamine and histidine. This variant is not present in population databases (ExAC no frequency). In summary, the available evidence is currently insufficient to determine the role of this variant in disease. Therefore, it has been classified as a Variant of Uncertain Significance. Algorithms developed to predict the effect of missense changes on protein structure and function (SIFT, PolyPhen-2, Align-GVGD) all suggest that this variant is likely to be tolerated, but these predictions have not been confirmed by published functional studies and their clinical significance is uncertain. This variant has not been reported in the literature in individuals with NLRP12-related conditions.

NM_144687.4(NLRP12):c.2898A>T (p.Gln966His)

Gene: NLRP12 (NLR family pyrin domain containing 12; minus strand). Cytogenetic location: 19q13.42.
Variant type: single nucleotide variant.
Coding change: c.2898A>T on transcript NM_144687.4 (MANE Select); coding-DNA position 2898, A replaced by T.
Protein change: p.Gln966His; replaces glutamine 966 with histidine.
Molecular consequence: missense variant. On other transcripts: intron variant (1).
Genome position (GRCh38, 1-based): chr19:53,798,272, T>A on the plus strand (A>T on the coding strand, the complement: NLRP12 is on the minus strand). VCF-style: chr19-53798272-T-A. GRCh37 (hg19) VCF-style: chr19-54301526-T-A.
Other names: c.2901A>T, p.Gln967His (NM_001277126.2); c.2757-2243A>T (NM_001277129.1); short protein forms Q967H, Q966H.
Identifiers: ClinVar variation 1517785 (VCV001517785.8), dbSNP rs2091805877, ClinGen allele CA407407765.
Genomic context (GRCh38, chr19:53,798,272, plus strand): 5'-CACTGCCACCCCGTCACTCCCCGATGCTCACCACAGTTTCTGGAGTCTGCAGGCGGGATG[T>A]TGCAGCCCCTCAGCCAGCAACCACAGGCCCCAGTCTCCCAGGTCGTTGAAACTCAAGTCC-3'
Protein context (NP_653288.1, residues 956-976): WGLWLLAEGL[Gln966His]HPACRLQKLW